The following is an entry in ClinVar:

ClinVar aggregate classification (germline): Likely benign. Review status: criteria provided, multiple submitters, no conflicts (2 of 4 stars). 2 submissions from 2 submitters: Likely benign (2). Last evaluated 2025-10-13.

Conditions:
ERCC2-related disorder. Also called: ERCC2-related condition; ERCC2-related disorders; ERCC2-related conditions. Identifiers: MedGen CN239291.

Allele frequency attached by ClinVar (database versions not stated): TOPMed below 0.00001; gnomAD exomes 0.00001.

Submissions (2):

PreventionGenetics, part of Exact Sciences
Classification: Likely benign for ERCC2-related condition. Last evaluated: 2025-10-13. Review status: criteria provided, single submitter. Criteria: ACMG Guidelines, 2015. Collection method: clinical testing. Allele origin: germline.
Comment: This variant is classified as likely benign based on ACMG/AMP sequence variant interpretation guidelines (Richards et al. 2015 PMID: 25741868, with internal and published modifications).

Labcorp Genetics (formerly Invitae), Labcorp
Classification: Likely benign. Last evaluated: 2024-09-06. Review status: criteria provided, single submitter. Criteria: Invitae Variant Classification Sherloc (09022015). Collection method: clinical testing. Allele origin: germline.

NM_000400.4(ERCC2):c.1759-5C>T

Gene: ERCC2 (ERCC excision repair 2, TFIIH core complex helicase subunit; minus strand). Cytogenetic location: 19q13.32.
Variant type: single nucleotide variant.
Coding change: c.1759-5C>T on transcript NM_000400.4 (MANE Select); 5 bases into the intron before coding-DNA position 1759, C replaced by T.
Molecular consequence: intron variant.
Genome position (GRCh38, 1-based): chr19:45,353,160, G>A on the plus strand (C>T on the coding strand, the complement: ERCC2 is on the minus strand). VCF-style: chr19-45353160-G-A. GRCh37 (hg19) VCF-style: chr19-45856418-G-A.
Other names: c.1759-5C>T (NM_000400.3).
Identifiers: ClinVar variation 1591543 (VCV001591543.9), dbSNP rs1971881916, ClinGen allele CA2338389309.